The following is an entry in ClinVar:

ClinVar aggregate classification (germline): Uncertain significance (1 of 4 stars; one submission).

Submission:

Clinical Genomics Laboratory, Laboratory for Precision Diagnostics, University of Washington
Classification: Uncertain significance. Last evaluated: 2019-11-26. Review status: criteria provided, single submitter. Criteria: Clinical Cytogenomics Laboratory Policy on CNV Interpretation. Collection method: clinical testing. Allele origin: unknown. Affected: yes. Observed: 1 variant allele.

GRCh37/hg19 1p36.11(chr1:24394811-25148686)x3

Genes: MYOM3 (myomesin 3; minus strand), NCMAP (non-compact myelin associated protein; plus strand), STPG1 (sperm tail PG-rich repeat containing 1; minus strand), NIPAL3 (NIPA like domain containing 3; plus strand), RCAN3 (RCAN family member 3; plus strand) and 5 more. Cytogenetic location: 1p36.11.
Variant type: copy number gain.
Change: copy number 3 (three copies instead of two) of chr1:24,394,811-25,148,686 (753.9 kb, GRCh37 coordinates, 1-based), cytogenetic band 1p36.11.
Identifiers: ClinVar variation 929347 (VCV000929347.2).